The following is an entry in ClinVar:

ClinVar aggregate classification (germline): Uncertain significance (1 of 4 stars; one submission).

Submission:

GeneDx
Classification: Uncertain significance. Last evaluated: 2024-03-29. Review status: criteria provided, single submitter. Criteria: GeneDx Variant Classification Process June 2021. Collection method: clinical testing. Allele origin: germline. Affected: yes.
Comment: Not observed at significant frequency in large population cohorts (gnomAD); In silico analysis supports that this missense variant does not alter protein structure/function; Has not been previously published as pathogenic or benign to our knowledge

NM_001112741.2(KCNC1):c.838A>G (p.Ile280Val)

Gene: KCNC1 (potassium voltage-gated channel subfamily C member 1; plus strand). Cytogenetic location: 11p15.1.
Variant type: single nucleotide variant.
Coding change: c.838A>G on transcript NM_001112741.2 (MANE Select); coding-DNA position 838, A replaced by G.
Protein change: p.Ile280Val; replaces isoleucine 280 with valine.
Molecular consequence: missense variant.
Genome position (GRCh38, 1-based): chr11:17,771,932, A>G. VCF-style: chr11-17771932-A-G. GRCh37 (hg19) VCF-style: chr11-17793479-A-G.
Other names: c.838A>G, p.Ile280Val (NM_004976.4); short protein forms I280V.
Identifiers: ClinVar variation 3371853 (VCV003371853.1).
Genomic context (GRCh38, chr11:17,771,932, plus strand): 5'-TTCCTCATGCGTGTCATCTTCTGCCCCAACAAGGTAGAGTTCATCAAGAACTCGCTCAAC[A>G]TCATTGACTTTGTGGCCATCCTGCCCTTCTACCTGGAGGTGGGGCTGAGCGGCCTGTCCT-3'
Protein context (NP_001106212.1, residues 270-290): KVEFIKNSLN[Ile280Val]IDFVAILPFY